The following is an entry in ClinVar:

NM_032108.4(SEMA6B):c.2269C>G (p.Arg757Gly)

Gene: SEMA6B (semaphorin 6B; minus strand). Cytogenetic location: 19p13.3.
Variant type: single nucleotide variant.
Coding change: c.2269C>G on transcript NM_032108.4 (MANE Select); coding-DNA position 2269, C replaced by G.
Protein change: p.Arg757Gly; replaces arginine 757 with glycine.
Molecular consequence: missense variant.
Genome position (GRCh38, 1-based): chr19:4,543,999, G>C on the plus strand (C>G on the coding strand, the complement: SEMA6B is on the minus strand). VCF-style: chr19-4543999-G-C. GRCh37 (hg19) VCF-style: chr19-4544011-G-C.
Other names: short protein forms R757G.
Identifiers: ClinVar variation 3377940 (VCV003377940.1).

ClinVar aggregate classification (germline): Uncertain significance (1 of 4 stars; one submission).

Submission:

GeneDx
Classification: Uncertain significance. Last evaluated: 2024-05-15. Review status: criteria provided, single submitter. Criteria: GeneDx Variant Classification Process June 2021. Collection method: clinical testing. Allele origin: germline. Affected: yes.
Comment: Not observed at significant frequency in large population cohorts (gnomAD); In silico analysis supports that this missense variant has a deleterious effect on protein structure/function; Has not been previously published as pathogenic or benign to our knowledge